The following is an entry in ClinVar:

NM_002972.4(SBF1):c.3572G>A (p.Arg1191His)

Gene: SBF1 (SET binding factor 1; minus strand). Cytogenetic location: 22q13.33.
Variant type: single nucleotide variant.
Coding change: c.3572G>A on transcript NM_002972.4 (MANE Select); coding-DNA position 3572, G replaced by A.
Protein change: p.Arg1191His; replaces arginine 1191 with histidine.
Molecular consequence: missense variant.
Genome position (GRCh38, 1-based): chr22:50,459,586, C>T on the plus strand (G>A on the coding strand, the complement: SBF1 is on the minus strand). VCF-style: chr22-50459586-C-T. GRCh37 (hg19) VCF-style: chr22-50898015-C-T.
Other names: c.3572G>A (NM_002972.2); c.3575G>A, p.Arg1192His (NM_001365819.1); short protein forms R1191H, R1192H.
Identifiers: ClinVar variation 1695051 (VCV001695051.32), dbSNP rs746155908, ClinGen allele CA10316654.
Genomic context (GRCh38, chr22:50,459,586, plus strand): 5'-CCTCCAGAGCGCAGCAGCACCGCCTTGGACCGCCCGCTGCGCCAGCAGACCACGGGGAAG[C>T]GGTTCTGGCGGTAGCAGCGGGACACGCGCTGCAGGGCGTTGTCCTGGACACTCTGGGGCA-3'
Protein context (NP_002963.2, residues 1181-1201): QRVSRCYRQN[Arg1191His]FPVVCWRSGR

ClinVar aggregate classification (germline): Uncertain significance. Review status: criteria provided, multiple submitters, no conflicts (2 of 4 stars). 2 submissions from 2 submitters: Uncertain significance (2). Last evaluated 2025-03-03.

Allele frequency attached by ClinVar (database versions not stated): gnomAD exomes below 0.00001; ExAC 0.00001; gnomAD 0.00001; TOPMed 0.00001.

Submissions (2):

Ambry Genetics
Classification: Uncertain significance. Last evaluated: 2025-03-03. Review status: criteria provided, single submitter. Criteria: Ambry Variant Classification Scheme 2023. Collection method: clinical testing. Allele origin: germline.

CeGaT Center for Human Genetics Tuebingen
Classification: Uncertain significance. Last evaluated: 2022-06-01. Review status: criteria provided, single submitter. Criteria: CeGaT Center For Human Genetics Tuebingen Variant Classification Criteria Version 2. Collection method: clinical testing. Allele origin: germline. Affected: yes. Observed: 1 variant allele.
Comment: SBF1: PM2, PP3